The following is an entry in ClinVar:

ClinVar aggregate classification (germline): Conflicting classifications of pathogenicity. Review status: criteria provided, conflicting classifications (1 of 4 stars). 7 submissions from 7 submitters: Uncertain significance (1); Benign (3); Likely benign (2). 1 of the submissions does not count toward it. Last evaluated 2026-06-01.

Conditions:
ARID1B-Related Disorder. Identifiers: MedGen CN381337.
Inborn genetic diseases. Identifiers: MedGen C0950123, MeSH D030342.

Submissions (7):

CeGaT Center for Human Genetics Tuebingen
Classification: Likely benign. Last evaluated: 2026-06-01. Review status: criteria provided, single submitter. Criteria: CeGaT Center For Human Genetics Tuebingen Variant Classification Criteria Version 2. Collection method: clinical testing. Allele origin: germline. Affected: yes. Observed: 1 variant allele.
Comment: ARID1B: BS2

Labcorp Genetics (formerly Invitae), Labcorp
Classification: Benign. Last evaluated: 2025-11-08. Review status: criteria provided, single submitter. Criteria: Invitae Variant Classification Sherloc (09022015). Collection method: clinical testing. Allele origin: germline.

Blueprint Genetics
Classification: Likely benign. Last evaluated: 2024-11-26. Review status: criteria provided, single submitter. Criteria: ACMG Guidelines, 2015. Collection method: clinical testing. Allele origin: germline.

GeneDx
Classification: Benign. Last evaluated: 2019-11-08. Review status: criteria provided, single submitter. Criteria: GeneDx Variant Classification Process June 2021. Collection method: clinical testing. Allele origin: germline. Affected: yes.

Ambry Genetics
Classification: Benign for Inborn genetic diseases. Last evaluated: 2016-12-13. Review status: criteria provided, single submitter. Criteria: Ambry Variant Classification Scheme 2023. Collection method: clinical testing. Allele origin: germline.

Genetic Services Laboratory, University of Chicago
Classification: Uncertain significance. Last evaluated: 2014-07-03. Review status: criteria provided, single submitter. Criteria: ACMG Guidelines, 2015. Collection method: clinical testing. Allele origin: germline.

PreventionGenetics, part of Exact Sciences
Classification: Benign for ARID1B-related condition. Last evaluated: 2020-04-20. Review status: no assertion criteria provided. Collection method: clinical testing. Allele origin: germline. Not counted in ClinVar's aggregate classification.
Comment: This variant is classified as benign based on ACMG/AMP sequence variant interpretation guidelines (Richards et al. 2015 PMID: 25741868, with internal and published modifications).

NM_001374828.1(ARID1B):c.352TCC[6] (p.Ser124del)

Genes: ARID1B (AT-rich interaction domain 1B; plus strand), LOC115308161 (uncharacterized LOC115308161; minus strand). Cytogenetic location: 6q25.3.
Variant type: Microsatellite.
Coding change: c.352TCC[6] on transcript NM_001374828.1 (MANE Select); six copies in a row of the 3-base unit TCC starting at c.352; the reference has seven copies in a row; one copy, 3 bases deleted.
Protein change: p.Ser124del; deletes serine 124.
Molecular consequence: inframe deletion.
Genome position (GRCh38, 1-based): chr6:156,778,050-156,778,052, TCC deleted; deleting any 3 consecutive bases within chr6:156,778,032-156,778,052 gives the same sequence; the position shown is the placement nearest the transcript's 3' end. VCF-style (leftmost placement, unchanged base first): chr6-156778031-GTCC-G. GRCh37 (hg19) VCF-style: chr6-157099165-GTCC-G.
Other names: c.352TCC[6], p.Ser124del (NM_001371656.1, NM_001374820.1, NM_017519.3); c.121_123delTCC (NM_020732.3); short protein forms S124del.
Identifiers: ClinVar variation 210267 (VCV000210267.22), dbSNP rs770512547, ClinGen allele CA206049.
Genomic context (GRCh38, chr6:156,778,031, plus strand): 5'-CAGCGCCAAGAGCGGCGGCTCCGAGGCGGCTCTCAAGGAGGGTGGAAGCGCCGCCGCGCT[GTCC>G]TCCTCCTCCTCCTCCTCCGCGGCGGCAGCGGCGGCATCCTCTTCCTCCTCGTCGGGCCCG-3'